The following is an entry in ClinVar:

NM_052947.4(ALPK2):c.6173G>T (p.Gly2058Val)

Gene: ALPK2 (alpha kinase 2; minus strand). Cytogenetic location: 18q21.31.
Variant type: single nucleotide variant.
Coding change: c.6173G>T on transcript NM_052947.4 (MANE Select); coding-DNA position 6173, G replaced by T.
Protein change: p.Gly2058Val; replaces glycine 2058 with valine.
Molecular consequence: missense variant.
Genome position (GRCh38, 1-based): chr18:58,504,005, C>A on the plus strand (G>T on the coding strand, the complement: ALPK2 is on the minus strand). VCF-style: chr18-58504005-C-A. GRCh37 (hg19) VCF-style: chr18-56171237-C-A.
Other names: short protein forms G2058V.
Identifiers: ClinVar variation 1752016 (VCV001752016.2), dbSNP rs139639175, ClinGen allele CA402543497.

ClinVar aggregate classification (germline): Uncertain significance (1 of 4 stars; one submission).

Submission:

Ambry Genetics
Classification: Uncertain significance. Last evaluated: 2022-06-26. Review status: criteria provided, single submitter. Criteria: Ambry Variant Classification Scheme 2023. Collection method: clinical testing. Allele origin: germline.
Comment: The p.G2058V variant (also known as c.6173G>T), located in coding exon 10 of the ALPK2 gene, results from a G to T substitution at nucleotide position 6173. The glycine at codon 2058 is replaced by valine, an amino acid with dissimilar properties. This amino acid position is conserved. In addition, the in silico prediction for this alteration is inconclusive. Since supporting evidence is limited at this time, the clinical significance of this alteration remains unclear.